The following is an entry in ClinVar:

ClinVar aggregate classification (germline): Uncertain significance (1 of 4 stars; one submission).

Allele frequency attached by ClinVar (database versions not stated): ExAC 0.00010.

Submission:

Labcorp Genetics (formerly Invitae), Labcorp
Classification: Uncertain significance. Last evaluated: 2025-08-21. Review status: criteria provided, single submitter. Criteria: Invitae Variant Classification Sherloc (09022015). Collection method: clinical testing. Allele origin: germline.
Comment: This sequence change replaces glutamic acid, which is acidic and polar, with lysine, which is basic and polar, at codon 1125 of the MYO7A protein (p.Glu1125Lys). This variant is present in population databases (rs782311386, gnomAD 0.01%). This variant has not been reported in the literature in individuals affected with MYO7A-related conditions. ClinVar contains an entry for this variant (Variation ID: 2418682). An algorithm developed to predict the effect of missense changes on protein structure and function (PolyPhen-2) suggests that this variant is likely to be disruptive. In summary, the available evidence is currently insufficient to determine the role of this variant in disease. Therefore, it has been classified as a Variant of Uncertain Significance.

NM_000260.4(MYO7A):c.3373G>A (p.Glu1125Lys)

Gene: MYO7A (myosin VIIA; plus strand). Cytogenetic location: 11q13.5.
Variant type: single nucleotide variant.
Coding change: c.3373G>A on transcript NM_000260.4 (MANE Select); coding-DNA position 3373, G replaced by A.
Protein change: p.Glu1125Lys; replaces glutamic acid 1125 with lysine.
Molecular consequence: missense variant.
Genome position (GRCh38, 1-based): chr11:77,183,155, G>A. VCF-style: chr11-77183155-G-A. GRCh37 (hg19) VCF-style: chr11-76894200-G-A.
Other names: c.3373G>A, p.Glu1125Lys (NM_001127180.2); c.3340G>A, p.Glu1114Lys (NM_001369365.1); short protein forms E1114K, E1125K.
Identifiers: ClinVar variation 2418682 (VCV002418682.3), dbSNP rs782311386, ClinGen allele CA6198034.
Genomic context (GRCh38, chr11:77,183,155, plus strand): 5'-AGCAGTGTGAGGCACAAGCTGGTGCATTTGACTCTGAAAAAGAAGTCCAAGCTCACAGAG[G>A]AGGTGAGGGCAGACGCTGGGGGTCTGGCAGCCCAGGGGTGGCTGCCTTAGGTGGCCTAGG-3'
Protein context (NP_000251.3, residues 1115-1135): TLKKKSKLTE[Glu1125Lys]VTKRLHDGES